The following is an entry in ClinVar:

ClinVar aggregate classification (germline): Uncertain significance (1 of 4 stars; one submission).

Allele frequency attached by ClinVar (database versions not stated): TOPMed below 0.00001.

Submission:

Labcorp Genetics (formerly Invitae), Labcorp
Classification: Uncertain significance. Last evaluated: 2022-06-23. Review status: criteria provided, single submitter. Criteria: Invitae Variant Classification Sherloc (09022015). Collection method: clinical testing. Allele origin: germline.
Comment: This variant is not present in population databases (gnomAD no frequency). This sequence change replaces lysine, which is basic and polar, with arginine, which is basic and polar, at codon 842 of the AP3D1 protein (p.Lys842Arg). In summary, the available evidence is currently insufficient to determine the role of this variant in disease. Therefore, it has been classified as a Variant of Uncertain Significance. Algorithms developed to predict the effect of missense changes on protein structure and function output the following: SIFT: "Tolerated"; PolyPhen-2: "Possibly Damaging"; Align-GVGD: "Class C0". The arginine amino acid residue is found in multiple mammalian species, which suggests that this missense change does not adversely affect protein function. This variant has not been reported in the literature in individuals affected with AP3D1-related conditions.

NM_001261826.3(AP3D1):c.2525A>G (p.Lys842Arg)

Gene: AP3D1 (adaptor related protein complex 3 subunit delta 1; minus strand). Cytogenetic location: 19p13.3.
Variant type: single nucleotide variant.
Coding change: c.2525A>G on transcript NM_001261826.3 (MANE Select); coding-DNA position 2525, A replaced by G.
Protein change: p.Lys842Arg; replaces lysine 842 with arginine.
Molecular consequence: missense variant.
Genome position (GRCh38, 1-based): chr19:2,114,201, T>C on the plus strand (A>G on the coding strand, the complement: AP3D1 is on the minus strand). VCF-style: chr19-2114201-T-C. GRCh37 (hg19) VCF-style: chr19-2114200-T-C.
Other names: c.2525A>G, p.Lys842Arg (NM_001374799.1, NM_003938.8); short protein forms K842R.
Identifiers: ClinVar variation 2009942 (VCV002009942.4), dbSNP rs2018371375, ClinGen allele CA403208402.